The following is an entry in ClinVar:

ClinVar aggregate classification (germline): Uncertain significance. Review status: criteria provided, multiple submitters, no conflicts (2 of 4 stars). 3 submissions from 3 submitters: Uncertain significance (3). Last evaluated 2025-12-09.

Conditions:
Familial adenomatous polyposis 1 (FAP1). Also called: FAMILIAL ADENOMATOUS POLYPOSIS 1, ATTENUATED; POLYPOSIS, ADENOMATOUS INTESTINAL. Identifiers: MedGen C2713442, MONDO:0021056, OMIM 175100. Disease mechanism: loss of function.
Hereditary cancer-predisposing syndrome. Also called: Neoplastic Syndromes, Hereditary; Tumor predisposition; Hereditary Cancer Syndrome; Hereditary neoplastic syndrome. Identifiers: Orphanet 140162, MedGen C0027672, MeSH D009386, MONDO:0015356.

Allele frequency attached by ClinVar (database versions not stated): gnomAD exomes below 0.00001.
gnomAD v4.1: 1 of 1,614,118 alleles (0.000062%); highest among the groups gnomAD compares: Admixed American, 0.0017%; no homozygotes.

Submissions (3):

Labcorp Genetics (formerly Invitae), Labcorp
Classification: Uncertain significance for Familial adenomatous polyposis 1. Last evaluated: 2025-12-09. Review status: criteria provided, single submitter. Criteria: Invitae Variant Classification Sherloc (09022015). Collection method: clinical testing. Allele origin: germline.
Comment: This sequence change replaces threonine, which is neutral and polar, with alanine, which is neutral and non-polar, at codon 1697 of the APC protein (p.Thr1697Ala). This variant is not present in population databases (gnomAD no frequency). This variant has not been reported in the literature in individuals affected with APC-related conditions. ClinVar contains an entry for this variant (Variation ID: 232998). Invitae Evidence Modeling of protein sequence and biophysical properties (such as structural, functional, and spatial information, amino acid conservation, physicochemical variation, residue mobility, and thermodynamic stability) indicates that this missense variant is not expected to disrupt APC protein function with a negative predictive value of 95%. In summary, the available evidence is currently insufficient to determine the role of this variant in disease. Therefore, it has been classified as a Variant of Uncertain Significance.

Quest Diagnostics Nichols Institute San Juan Capistrano
Classification: Uncertain significance. Last evaluated: 2025-03-01. Review status: criteria provided, single submitter. Criteria: Quest Diagnostics criteria. Collection method: clinical testing. Allele origin: unknown.
Comment: The APC c.5089A>G (p.Thr1697Ala) variant has not been reported in the published literature. It also has not been reported in large, multi-ethnic general populations (Genome Aggregation Database). Analysis of this variant using bioinformatics tools for the prediction of the effect of amino acid changes on protein structure and function yielded conflicting predictions that this variant is deleterious or benign. Based on the available information, we are unable to determine the clinical significance of this variant.

Ambry Genetics
Classification: Uncertain significance for Hereditary cancer-predisposing syndrome. Last evaluated: 2025-02-10. Review status: criteria provided, single submitter. Criteria: Ambry Variant Classification Scheme 2023. Collection method: clinical testing. Allele origin: germline.
Comment: The p.T1697A variant (also known as c.5089A>G), located in coding exon 15 of the APC gene, results from an A to G substitution at nucleotide position 5089. The threonine at codon 1697 is replaced by alanine, an amino acid with similar properties. This amino acid position is well conserved in available vertebrate species. In addition, in silico predictors for this gene do not accurately predict pathogenicity. Since supporting evidence is limited at this time, the clinical significance of this alteration remains unclear.

NM_000038.6(APC):c.5089A>G (p.Thr1697Ala)

Gene: APC (APC regulator of Wnt signaling pathway; plus strand). Cytogenetic location: 5q22.2.
Variant type: single nucleotide variant.
Coding change: c.5089A>G on transcript NM_000038.6 (MANE Select); coding-DNA position 5089, A replaced by G.
Protein change: p.Thr1697Ala; replaces threonine 1697 with alanine.
Molecular consequence: missense variant.
Genome position (GRCh38, 1-based): chr5:112,840,683, A>G. VCF-style: chr5-112840683-A-G. GRCh37 (hg19) VCF-style: chr5-112176380-A-G.
Other names: c.4609A>G, p.Thr1537Ala (NM_001354905.2); c.4240A>G, p.Thr1414Ala (NM_001354906.2); c.5089A>G, p.Thr1697Ala (NM_001127510.3, NM_001354895.2); c.5035A>G, p.Thr1679Ala (NM_001127511.3); c.5143A>G, p.Thr1715Ala (NM_001354896.2); c.5119A>G, p.Thr1707Ala (NM_001354897.2); c.5014A>G, p.Thr1672Ala (NM_001354898.2); c.5005A>G, p.Thr1669Ala (NM_001354899.2); and 5 more; short protein forms T1679A, T1697A, T1571A, T1596A, T1414A, T1638A, T1606A, T1669A.
Identifiers: ClinVar variation 232998 (VCV000232998.16), dbSNP rs876660122, ClinGen allele CA10578392.
Genomic context (GRCh38, chr5:112,840,683, plus strand): 5'-GGAGGGGCACAGTCAGGTGAATTTGAAAAACGAGATACCATTCCTACAGAAGGCAGAAGT[A>G]CAGATGAGGCTCAAGGAGGAAAAACCTCATCTGTAACCATACCTGAATTGGATGACAATA-3'
Protein context (NP_000029.2, residues 1687-1707): RDTIPTEGRS[Thr1697Ala]DEAQGGKTSS